The following is an entry in ClinVar:

NM_015271.5(TRIM2):c.167G>A (p.Arg56Gln)

Gene: TRIM2 (tripartite motif containing 2; plus strand). Cytogenetic location: 4q31.3.
Variant type: single nucleotide variant.
Coding change: c.167G>A on transcript NM_015271.5 (MANE Select); coding-DNA position 167, G replaced by A.
Protein change: p.Arg56Gln; replaces arginine 56 with glutamine.
Molecular consequence: missense variant. On other transcripts: 5 prime UTR variant (3), intron variant (1).
Genome position (GRCh38, 1-based): chr4:153,270,471, G>A. VCF-style: chr4-153270471-G-A. GRCh37 (hg19) VCF-style: chr4-154191623-G-A.
Other names: c.86G>A, p.Arg29Gln (NM_001130067.2, NM_001351056.2, NM_001375512.1 and 5 more transcripts); c.167G>A, p.Arg56Gln (NM_001302692.2, NM_001375488.1, NM_001375490.1 and 1 more transcripts); c.164G>A, p.Arg55Gln (NM_001302693.2, NM_001375489.1, NM_001375491.1 and 1 more transcripts); c.140G>A, p.Arg47Gln (NM_001302694.2, NM_001351054.2); c.137G>A, p.Arg46Gln (NM_001351055.2); c.-391G>A (NM_001351057.2); c.-123G>A (NM_001375522.1, NM_001375523.1); c.-124-5422G>A (NM_001375525.1); short protein forms R55Q, R56Q, R46Q, R29Q, R47Q.
Identifiers: ClinVar variation 652907 (VCV000652907.8), dbSNP rs1418080739, ClinGen allele CA358469246.

ClinVar aggregate classification (germline): Uncertain significance (1 of 4 stars; one submission).

Conditions:
Charcot-Marie-Tooth disease type 2R. Also called: CHARCOT-MARIE-TOOTH NEUROPATHY, TYPE 2R; Charcot-Marie-Tooth disease, axonal, type 2R; CHARCOT-MARIE-TOOTH DISEASE, AXONAL, AUTOSOMAL RECESSIVE, TYPE 2R. Identifiers: Orphanet 397968, MedGen C3809655, MONDO:0014208, OMIM 615490.

Allele frequency attached by ClinVar (database versions not stated): gnomAD exomes below 0.00001.
gnomAD v4.1: 5 of 1,613,314 alleles (0.00031%); highest among the groups gnomAD compares: Non-Finnish European, 0.00042%; no homozygotes.

Submission:

Labcorp Genetics (formerly Invitae), Labcorp
Classification: Uncertain significance for Charcot-Marie-Tooth disease type 2R. Last evaluated: 2018-12-25. Review status: criteria provided, single submitter. Criteria: Invitae Variant Classification Sherloc (09022015). Collection method: clinical testing. Allele origin: germline.
Comment: This sequence change replaces arginine with glutamine at codon 29 of the TRIM2 protein (p.Arg29Gln). The arginine residue is highly conserved and there is a small physicochemical difference between arginine and glutamine. This variant is not present in population databases (ExAC no frequency). This variant has not been reported in the literature in individuals with TRIM2-related conditions. Algorithms developed to predict the effect of missense changes on protein structure and function (SIFT, PolyPhen-2, Align-GVGD) all suggest that this variant is likely to be disruptive, but these predictions have not been confirmed by published functional studies and their clinical significance is uncertain. In summary, the available evidence is currently insufficient to determine the role of this variant in disease. Therefore, it has been classified as a Variant of Uncertain Significance.